The following is an entry in ClinVar:

ClinVar aggregate classification (germline): Uncertain significance (1 of 4 stars; one submission).

gnomAD v4.1: 4 of 1,209,844 alleles (0.00033%); highest among the groups gnomAD compares: Non-Finnish European, 0.00045%; no homozygotes.

Submission:

Labcorp Genetics (formerly Invitae), Labcorp
Classification: Uncertain significance. Last evaluated: 2025-04-21. Review status: criteria provided, single submitter. Criteria: Invitae Variant Classification Sherloc (09022015). Collection method: clinical testing. Allele origin: germline.
Comment: This sequence change replaces alanine, which is neutral and non-polar, with threonine, which is neutral and polar, at codon 81 of the ATP6AP1 protein (p.Ala81Thr). This variant is present in population databases (rs145311857, gnomAD 0.001%). This variant has not been reported in the literature in individuals affected with ATP6AP1-related conditions. Invitae Evidence Modeling of protein sequence and biophysical properties (such as structural, functional, and spatial information, amino acid conservation, physicochemical variation, residue mobility, and thermodynamic stability) indicates that this missense variant is not expected to disrupt ATP6AP1 protein function with a negative predictive value of 80%. In summary, the available evidence is currently insufficient to determine the role of this variant in disease. Therefore, it has been classified as a Variant of Uncertain Significance.

NM_001183.6(ATP6AP1):c.241G>A (p.Ala81Thr)

Gene: ATP6AP1 (ATPase H+ transporting accessory protein 1; plus strand). Cytogenetic location: Xq28.
Variant type: single nucleotide variant.
Coding change: c.241G>A on transcript NM_001183.6 (MANE Select); coding-DNA position 241, G replaced by A.
Protein change: p.Ala81Thr; replaces alanine 81 with threonine.
Molecular consequence: missense variant.
Genome position (GRCh38, 1-based): chrX:154,429,127, G>A. VCF-style: chrX-154429127-G-A. GRCh37 (hg19) VCF-style: chrX-153657473-G-A.
Other names: short protein forms A81T.
Identifiers: ClinVar variation 4705772 (VCV004705772.1).